The following is an entry in ClinVar:

NM_015466.4(PTPN23):c.1004-4C>G

Gene: PTPN23 (protein tyrosine phosphatase non-receptor type 23; plus strand). Cytogenetic location: 3p21.31.
Variant type: single nucleotide variant.
Coding change: c.1004-4C>G on transcript NM_015466.4 (MANE Select); 4 bases into the intron before coding-DNA position 1004, C replaced by G.
Molecular consequence: intron variant.
Genome position (GRCh38, 1-based): chr3:47,407,693, C>G. VCF-style: chr3-47407693-C-G. GRCh37 (hg19) VCF-style: chr3-47449183-C-G.
Other names: c.1004-4C>G (NM_015466.3); c.626-4C>G (NM_001304482.2).
Identifiers: ClinVar variation 1537965 (VCV001537965.12), dbSNP rs200658102, ClinGen allele CA2365613.

ClinVar aggregate classification (germline): Conflicting classifications of pathogenicity. Review status: criteria provided, conflicting classifications (1 of 4 stars). 3 submissions from 3 submitters: Uncertain significance (1); Likely benign (1). 1 of the submissions does not count toward it. Last evaluated 2025-12-13.

Conditions:
PTPN23-related disorder. Also called: PTPN23-related condition.
Neurodevelopmental disorder and structural brain anomalies with or without seizures and spasticity. Identifiers: MedGen C5394423, MONDO:0030046, OMIM 618890.

Allele frequency attached by ClinVar (database versions not stated): 1000 Genomes Project 30x 0.00016; 1000 Genomes Project 0.00020.
gnomAD v4.1: 207 of 1,612,898 alleles (0.013%); highest among the groups gnomAD compares: Admixed American, 0.078%; no homozygotes.

Submissions (3):

Labcorp Genetics (formerly Invitae), Labcorp
Classification: Likely benign. Last evaluated: 2025-12-13. Review status: criteria provided, single submitter. Criteria: Invitae Variant Classification Sherloc (09022015). Collection method: clinical testing. Allele origin: germline.

Revvity Omics, Revvity
Classification: Uncertain significance for Neurodevelopmental disorder and structural brain anomalies with or without seizures and spasticity. Last evaluated: 2023-07-29. Review status: criteria provided, single submitter. Criteria: ACMG Guidelines, 2015. Collection method: clinical testing. Allele origin: germline.

PreventionGenetics, part of Exact Sciences
Classification: Likely benign for PTPN23-related condition. Last evaluated: 2019-09-10. Review status: no assertion criteria provided. Collection method: clinical testing. Allele origin: germline. Not counted in ClinVar's aggregate classification.
Comment: This variant is classified as likely benign based on ACMG/AMP sequence variant interpretation guidelines (Richards et al. 2015 PMID: 25741868, with internal and published modifications).